The following is an entry in ClinVar:

ClinVar aggregate classification (germline): Conflicting classifications of pathogenicity. Review status: criteria provided, conflicting classifications (1 of 4 stars). 6 submissions from 6 submitters: Uncertain significance (1); Likely benign (4). 1 of the submissions does not count toward it. Last evaluated 2026-02-04.

Conditions:
Joubert syndrome 3 (JBTS3). Also called: AHI1-related Ciliopathy. Identifiers: Orphanet 220493, MedGen C1837713, MONDO:0012078, OMIM 608629.
Joubert syndrome. Also called: Familial aplasia of the vermis; JOUBERT-BOLTSHAUSER SYNDROME. Identifiers: Orphanet 475, MedGen C5979921, MONDO:0018772.
Intellectual disability. Also called: Intellectual functioning disability; Intellectual developmental disorder; intellectual disabilities. Identifiers: MedGen C3714756, MeSH D008607, MONDO:0001071, HP:0001249.

Allele frequency attached by ClinVar (database versions not stated): gnomAD 0.00031 and 0.00033; ESP Exome Variant Server 0.00043; TOPMed 0.00043; gnomAD exomes 0.00045 and 0.00063; 1000 Genomes Project 0.00060; ExAC 0.00063; 1000 Genomes Project 30x 0.00094.
gnomAD v4.1: 954 of 1,584,320 alleles (0.06%); highest among the groups gnomAD compares: Middle Eastern, 0.45%; 1 homozygote.

Submissions (6):

Labcorp Genetics (formerly Invitae), Labcorp
Classification: Likely benign for Joubert syndrome. Last evaluated: 2026-02-04. Review status: criteria provided, single submitter. Criteria: Invitae Variant Classification Sherloc (09022015). Collection method: clinical testing. Allele origin: germline.

Blueprint Genetics
Classification: Likely benign. Last evaluated: 2024-11-22. Review status: criteria provided, single submitter. Criteria: ACMG Guidelines, 2015. Collection method: clinical testing. Allele origin: germline.

GeneDx
Classification: Uncertain significance. Last evaluated: 2021-10-25. Review status: criteria provided, single submitter. Criteria: GeneDx Variant Classification Process June 2021. Collection method: clinical testing. Allele origin: germline. Affected: yes.
Comment: Reported in the heterozygous state in a parent of a child with JSRD, but did not segregate in the affected child and was concluded to be of unclear significance (Valente et al., 2006); In silico analysis, which includes protein predictors and evolutionary conservation, supports that this variant does not alter protein structure/function; This variant is associated with the following publications: (PMID: 16453322)

Illumina Laboratory Services, Illumina
Classification: Likely benign for Joubert syndrome 3. Last evaluated: 2017-04-28. Review status: criteria provided, single submitter. Criteria: ICSL Variant Classification Criteria 13 December 2019. Collection method: clinical testing. Allele origin: germline.
Comment: This variant was observed as part of a predisposition screen in an ostensibly healthy population. A literature search was performed for the gene, cDNA change, and amino acid change (where applicable). Publications were found based on this search. The evidence from the literature, in combination with allele frequency data from public databases where available, was sufficient to determine this variant is unlikely to cause disease. Therefore, this variant is classified as likely benign.

PreventionGenetics, part of Exact Sciences
Classification: Likely benign. Review status: criteria provided, single submitter. Criteria: ACMG Guidelines, 2015. Collection method: clinical testing. Allele origin: germline.

Centre de Biologie Pathologie Génétique, Centre Hospitalier Universitaire de Lille
Classification: Likely benign for Intellectual disability. Last evaluated: 2019-01-01. Review status: no assertion criteria provided. Collection method: clinical testing. Allele origin: inherited. Affected: yes. Not counted in ClinVar's aggregate classification.

Literature cited by the submitters: PubMed 16453322 (cited by Illumina Laboratory Services, Illumina).

NM_001134831.2(AHI1):c.3418C>T (p.Pro1140Ser)

Gene: AHI1 (Abelson helper integration site 1; minus strand). Cytogenetic location: 6q23.3.
Variant type: single nucleotide variant.
Coding change: c.3418C>T on transcript NM_001134831.2 (MANE Select); coding-DNA position 3418, C replaced by T.
Protein change: p.Pro1140Ser; replaces proline 1140 with serine.
Molecular consequence: missense variant.
Genome position (GRCh38, 1-based): chr6:135,318,527, G>A on the plus strand (C>T on the coding strand, the complement: AHI1 is on the minus strand). VCF-style: chr6-135318527-G-A. GRCh37 (hg19) VCF-style: chr6-135639665-G-A.
Other names: c.3418C>T, p.Pro1140Ser (NM_001134830.2, NM_001350503.2, NM_001350504.2 and 1 more transcripts); short protein forms P1140S.
Identifiers: ClinVar variation 216697 (VCV000216697.21), dbSNP rs201148693, ClinGen allele CA335852.
Genomic context (GRCh38, chr6:135,318,527, plus strand): 5'-AGAGAGTGAAAATCAAAGTACATATGTAATACGTATGCTCAAAAACATTTACCTTTTGAG[G>A]AGCTGGAGATTTTTCTATTTTAGTTTTTTCCTCAGGGCTTAAAGGAGGGGATCGCTCCTT-3'
Protein context (NP_001128303.1, residues 1130-1150): EKTKIEKSPA[Pro1140Ser]QKQSINKNKS